The following is an entry in ClinVar:

ClinVar aggregate classification (germline): Uncertain significance (1 of 4 stars; one submission).

gnomAD v4.1: 2 of 1,613,920 alleles (0.00012%); highest among the groups gnomAD compares: Admixed American, 0.0033%; no homozygotes.

Submission:

Labcorp Genetics (formerly Invitae), Labcorp
Classification: Uncertain significance. Last evaluated: 2023-04-24. Review status: criteria provided, single submitter. Criteria: Invitae Variant Classification Sherloc (09022015). Collection method: clinical testing. Allele origin: germline.
Comment: In summary, the available evidence is currently insufficient to determine the role of this variant in disease. Therefore, it has been classified as a Variant of Uncertain Significance. An algorithm developed to predict the effect of missense changes on protein structure and function (PolyPhen-2) suggests that this variant is likely to be disruptive. ClinVar contains an entry for this variant (Variation ID: 1992807). This variant has not been reported in the literature in individuals affected with EGF-related conditions. This variant is present in population databases (no rsID available, gnomAD 0.006%). This sequence change replaces glutamine, which is neutral and polar, with arginine, which is basic and polar, at codon 681 of the EGF protein (p.Gln681Arg).

NM_001963.6(EGF):c.2042A>G (p.Gln681Arg)

Gene: EGF (epidermal growth factor; plus strand). Cytogenetic location: 4q25.
Variant type: single nucleotide variant.
Coding change: c.2042A>G on transcript NM_001963.6 (MANE Select); coding-DNA position 2042, A replaced by G.
Protein change: p.Gln681Arg; replaces glutamine 681 with arginine.
Molecular consequence: missense variant.
Genome position (GRCh38, 1-based): chr4:109,976,224, A>G. VCF-style: chr4-109976224-A-G. GRCh37 (hg19) VCF-style: chr4-110897380-A-G.
Other names: c.2042A>G, p.Gln681Arg (NM_001178130.3); c.1916A>G, p.Gln639Arg (NM_001178131.3, NM_001357021.2); short protein forms Q681R, Q639R.
Identifiers: ClinVar variation 1992807 (VCV001992807.4), dbSNP rs1408323525, ClinGen allele CA357884192.